The following is an entry in ClinVar:

ClinVar aggregate classification (germline): Uncertain significance (1 of 4 stars; one submission).

Conditions:
Combined immunodeficiency due to ORAI1 deficiency. Also called: IMMUNODEFICIENCY 9. Identifiers: Orphanet 169090, Orphanet 317428, MedGen C2748568, MONDO:0013007, OMIM 612782.
Myopathy, tubular aggregate, 2 (TAM2). Identifiers: MedGen C4014557, MONDO:0014383, OMIM 615883.

Allele frequency attached by ClinVar (database versions not stated): ExAC 0.00001; gnomAD exomes below 0.00001; gnomAD 0.00001.

Submission:

Labcorp Genetics (formerly Invitae), Labcorp
Classification: Uncertain significance for Myopathy, tubular aggregate, 2; Combined immunodeficiency due to ORAI1 deficiency. Last evaluated: 2025-03-05. Review status: criteria provided, single submitter. Criteria: Invitae Variant Classification Sherloc (09022015). Collection method: clinical testing. Allele origin: germline.
Comment: This sequence change replaces alanine, which is neutral and non-polar, with threonine, which is neutral and polar, at codon 238 of the ORAI1 protein (p.Ala238Thr). This variant is present in population databases (rs782448303, gnomAD 0.003%). This variant has not been reported in the literature in individuals affected with ORAI1-related conditions. ClinVar contains an entry for this variant (Variation ID: 1492059). Experimental studies and prediction algorithms are not available or were not evaluated, and the functional significance of this variant is currently unknown. In summary, the available evidence is currently insufficient to determine the role of this variant in disease. Therefore, it has been classified as a Variant of Uncertain Significance.

NC_000012.12:g.121641449G>A

Gene: ORAI1 (ORAI calcium release-activated calcium modulator 1; plus strand). Cytogenetic location: 12q24.31.
Variant type: single nucleotide variant.
Genome position: GRCh38 VCF-style: chr12-121641449-G-A. GRCh37 (hg19) VCF-style: chr12-122079355-G-A.
Other names: c.712G>A, p.Ala238Thr (NM_032790.4); short protein forms A238T.
Identifiers: ClinVar variation 1492059 (VCV001492059.6), dbSNP rs782448303, ClinGen allele CA6837549.